The following is an entry in ClinVar:

NM_001382391.1(CSPP1):c.2740T>C (p.Ser914Pro)

Gene: CSPP1 (centrosome and spindle pole associated protein 1; plus strand). Cytogenetic location: 8q13.2.
Variant type: single nucleotide variant.
Coding change: c.2740T>C on transcript NM_001382391.1 (MANE Select); coding-DNA position 2740, T replaced by C.
Protein change: p.Ser914Pro; replaces serine 914 with proline.
Molecular consequence: missense variant.
Genome position (GRCh38, 1-based): chr8:67,164,420, T>C. VCF-style: chr8-67164420-T-C. GRCh37 (hg19) VCF-style: chr8-68076655-T-C.
Other names: c.1690T>C, p.Ser564Pro (NM_001291339.2); c.2659T>C, p.Ser887Pro (NM_001363131.2); c.2545T>C, p.Ser849Pro (NM_001363132.2); c.2464T>C, p.Ser822Pro (NM_001363133.2); c.2806T>C, p.Ser936Pro (NM_001364869.1); c.2626T>C, p.Ser876Pro (NM_001364870.1); c.2725T>C, p.Ser909Pro (NM_024790.7); short protein forms S849P, S876P, S887P, S564P, S822P, S909P, S914P, S936P.
Identifiers: ClinVar variation 2082158 (VCV002082158.4), dbSNP rs2489982571, ClinGen allele CA371193163.

ClinVar aggregate classification (germline): Uncertain significance (1 of 4 stars; one submission).

Conditions:
Joubert syndrome 21 (JBTS21). Identifiers: MedGen C3810212, MONDO:0014288, OMIM 615636.

Submission:

Labcorp Genetics (formerly Invitae), Labcorp
Classification: Uncertain significance for Joubert syndrome 21. Last evaluated: 2025-02-10. Review status: criteria provided, single submitter. Criteria: Invitae Variant Classification Sherloc (09022015). Collection method: clinical testing. Allele origin: germline.
Comment: This sequence change replaces serine, which is neutral and polar, with proline, which is neutral and non-polar, at codon 909 of the CSPP1 protein (p.Ser909Pro). This variant is not present in population databases (gnomAD no frequency). This variant has not been reported in the literature in individuals affected with CSPP1-related conditions. ClinVar contains an entry for this variant (Variation ID: 2082158). An algorithm developed to predict the effect of missense changes on protein structure and function (PolyPhen-2) suggests that this variant is likely to be disruptive. In summary, the available evidence is currently insufficient to determine the role of this variant in disease. Therefore, it has been classified as a Variant of Uncertain Significance.